The following is an entry in ClinVar:

NM_025243.4(SLC19A3):c.980-205G>A

Gene: SLC19A3 (solute carrier family 19 member 3; minus strand). Cytogenetic location: 2q36.3.
Variant type: single nucleotide variant.
Coding change: c.980-205G>A on transcript NM_025243.4 (MANE Select); 205 bases into the intron before coding-DNA position 980, G replaced by A.
Molecular consequence: intron variant.
Genome position (GRCh38, 1-based): chr2:227,696,286, C>T on the plus strand (G>A on the coding strand, the complement: SLC19A3 is on the minus strand). VCF-style: chr2-227696286-C-T. GRCh37 (hg19) VCF-style: chr2-228561002-C-T.
Identifiers: ClinVar variation 673773 (VCV000673773.1), dbSNP rs75081601, ClinGen allele CA66659064.
Genomic context (GRCh38, chr2:227,696,286, plus strand): 5'-GGATCTATCCTTTTCTCAAGCGTGTCTTCTTTTGGCTTTTCTTTTCACTTGCTATTCTTT[C>T]GGTCACTTAGTCACCATACTTTTAATTAGCATCAACTACACGCCAGACACTGTATTCTGC-3'

ClinVar aggregate classification (germline): Benign (1 of 4 stars; one submission).

Allele frequency attached by ClinVar (database versions not stated): gnomAD 0.03129 and 0.03368; TOPMed 0.03429; 1000 Genomes Project 0.03714; 1000 Genomes Project 30x 0.04107.
gnomAD v4.1: 4,709 of 152,264 alleles (3.1%); highest among the groups gnomAD compares: African/African-American, 11%; 250 homozygotes.

Submission:

GeneDx
Classification: Benign. Last evaluated: 2018-06-16. Review status: criteria provided, single submitter. Criteria: GeneDx Variant Classification (06012015). Collection method: clinical testing. Allele origin: germline. Affected: yes.
Comment: This variant is considered likely benign or benign based on one or more of the following criteria: it is a conservative change, it occurs at a poorly conserved position in the protein, it is predicted to be benign by multiple in silico algorithms, and/or has population frequency not consistent with disease.